The following is an entry in ClinVar:

ClinVar aggregate classification (germline): Uncertain significance (1 of 4 stars; one submission).

Allele frequency attached by ClinVar (database versions not stated): ExAC 0.00002; gnomAD 0.00002; gnomAD exomes 0.00003; TOPMed 0.00004; ESP Exome Variant Server 0.00008.
gnomAD v4.1: 51 of 1,614,032 alleles (0.0032%); highest among the groups gnomAD compares: Non-Finnish European, 0.004%; no homozygotes.

Submission:

Labcorp Genetics (formerly Invitae), Labcorp
Classification: Uncertain significance. Last evaluated: 2024-02-16. Review status: criteria provided, single submitter. Criteria: Invitae Variant Classification Sherloc (09022015). Collection method: clinical testing. Allele origin: germline.
Comment: This sequence change replaces arginine, which is basic and polar, with glutamine, which is neutral and polar, at codon 605 of the COL7A1 protein (p.Arg605Gln). This variant is present in population databases (rs200890422, gnomAD 0.006%). This variant has not been reported in the literature in individuals affected with COL7A1-related conditions. ClinVar contains an entry for this variant (Variation ID: 2151383). Advanced modeling of protein sequence and biophysical properties (such as structural, functional, and spatial information, amino acid conservation, physicochemical variation, residue mobility, and thermodynamic stability) performed at Invitae indicates that this missense variant is not expected to disrupt COL7A1 protein function with a negative predictive value of 95%. In summary, the available evidence is currently insufficient to determine the role of this variant in disease. Therefore, it has been classified as a Variant of Uncertain Significance.

NM_000094.4(COL7A1):c.1814G>A (p.Arg605Gln)

Gene: COL7A1 (collagen type VII alpha 1 chain; minus strand). Cytogenetic location: 3p21.31.
Variant type: single nucleotide variant.
Coding change: c.1814G>A on transcript NM_000094.4 (MANE Select); coding-DNA position 1814, G replaced by A.
Protein change: p.Arg605Gln; replaces arginine 605 with glutamine.
Molecular consequence: missense variant.
Genome position (GRCh38, 1-based): chr3:48,590,551, C>T on the plus strand (G>A on the coding strand, the complement: COL7A1 is on the minus strand). VCF-style: chr3-48590551-C-T. GRCh37 (hg19) VCF-style: chr3-48627984-C-T.
Other names: short protein forms R605Q.
Identifiers: ClinVar variation 2151383 (VCV002151383.2), dbSNP rs200890422, ClinGen allele CA2381099.
Genomic context (GRCh38, chr3:48,590,551, plus strand): 5'-CTGGCTCCAGGGACGGGTCCCCAGGCCACCCTCACTCGCGTTGCATCTGACACCACAACC[C>T]GCAGCCCTGGAACAGCAAGTGGAGTTTCCGGCTCTAGGAGTTACAGACAGAAGTCAGAAG-3'
Protein context (NP_000085.1, residues 595-615): PETPLAVPGL[Arg605Gln]VVVSDATRVR